The following is an entry in ClinVar:

ClinVar aggregate classification (germline): Uncertain significance. Review status: criteria provided, multiple submitters, no conflicts (2 of 4 stars). 2 submissions from 2 submitters: Uncertain significance (2). Last evaluated 2024-02-15.

Conditions:
Dilated cardiomyopathy 1J (CMD1J). Also called: CARDIOMYOPATHY, DILATED, WITH SENSORINEURAL HEARING LOSS, AUTOSOMAL DOMINANT. Identifiers: Orphanet 217622, MedGen C1854368, MONDO:0011541, OMIM 605362.

Allele frequency attached by ClinVar (database versions not stated): ExAC 0.00001; gnomAD exomes 0.00001; TOPMed 0.00001.
gnomAD v4.1: 5 of 1,612,376 alleles (0.00031%); highest among the groups gnomAD compares: Non-Finnish European, 0.00025%; no homozygotes.

Submissions (2):

Labcorp Genetics (formerly Invitae), Labcorp
Classification: Uncertain significance for Dilated cardiomyopathy 1J. Last evaluated: 2024-02-15. Review status: criteria provided, single submitter. Criteria: Invitae Variant Classification Sherloc (09022015). Collection method: clinical testing. Allele origin: germline.
Comment: This sequence change replaces alanine, which is neutral and non-polar, with valine, which is neutral and non-polar, at codon 292 of the EYA4 protein (p.Ala292Val). This variant is present in population databases (rs764985361, gnomAD 0.002%). This variant has not been reported in the literature in individuals affected with EYA4-related conditions. ClinVar contains an entry for this variant (Variation ID: 1400451). An algorithm developed to predict the effect of missense changes on protein structure and function (PolyPhen-2) suggests that this variant is likely to be tolerated. In summary, the available evidence is currently insufficient to determine the role of this variant in disease. Therefore, it has been classified as a Variant of Uncertain Significance.

Blueprint Genetics
Classification: Uncertain significance. Last evaluated: 2023-07-18. Review status: criteria provided, single submitter. Criteria: ACMG Guidelines, 2015. Collection method: clinical testing. Allele origin: germline.

NM_004100.5(EYA4):c.875C>T (p.Ala292Val)

Gene: EYA4 (EYA transcriptional coactivator and phosphatase 4; plus strand). Cytogenetic location: 6q23.2.
Variant type: single nucleotide variant.
Coding change: c.875C>T on transcript NM_004100.5 (MANE Select); coding-DNA position 875, C replaced by T.
Protein change: p.Ala292Val; replaces alanine 292 with valine.
Molecular consequence: missense variant.
Genome position (GRCh38, 1-based): chr6:133,468,636, C>T. VCF-style: chr6-133468636-C-T. GRCh37 (hg19) VCF-style: chr6-133789774-C-T.
Other names: c.875C>T, p.Ala292Val (NM_172105.4, NM_001301013.2); c.713C>T, p.Ala238Val (NM_001301012.2, NM_001370459.1); c.806C>T, p.Ala269Val (NM_001370458.1, NM_172103.4); short protein forms A269V, A238V, A292V.
Identifiers: ClinVar variation 1400451 (VCV001400451.7), dbSNP rs764985361, ClinGen allele CA4008178.